The following is an entry in ClinVar:

NM_015450.3(POT1):c.1877A>T (p.Asp626Val)

Gene: POT1 (protection of telomeres 1; minus strand). Cytogenetic location: 7q31.33.
Variant type: single nucleotide variant.
Coding change: c.1877A>T on transcript NM_015450.3 (MANE Select); coding-DNA position 1877, A replaced by T.
Protein change: p.Asp626Val; replaces aspartic acid 626 with valine.
Molecular consequence: missense variant. On other transcripts: non-coding transcript variant (3).
Genome position (GRCh38, 1-based): chr7:124,823,990, T>A on the plus strand (A>T on the coding strand, the complement: POT1 is on the minus strand). VCF-style: chr7-124823990-T-A. GRCh37 (hg19) VCF-style: chr7-124464044-T-A.
Other names: c.1484A>T, p.Asp495Val (NM_001042594.2); c.1877A>T (NM_015450.2); short protein forms D495V, D626V.
Identifiers: ClinVar variation 1038858 (VCV001038858.8), dbSNP rs545521975, ClinGen allele CA4464953.

ClinVar aggregate classification (germline): Conflicting classifications of pathogenicity. Review status: criteria provided, conflicting classifications (1 of 4 stars). 2 submissions from 2 submitters: Uncertain significance (1); Likely benign (1). Last evaluated 2025-05-04.

Conditions:
Tumor predisposition syndrome 3 (TPDS3). Also called: Melanoma, cutaneous malignant, susceptibility to, 10; Glioma susceptibility 9; LONG TELOMERE SYNDROME, POT1-RELATED; POT1 Tumor Predisposition. Identifiers: Orphanet 618, MedGen C4014476, MONDO:0014368, OMIM 615848.
Hereditary cancer-predisposing syndrome. Also called: Neoplastic Syndromes, Hereditary; Hereditary Cancer Syndrome; Hereditary neoplastic syndrome; Tumor predisposition. Identifiers: Orphanet 140162, MedGen C0027672, MeSH D009386, MONDO:0015356.

Allele frequency attached by ClinVar (database versions not stated): 1000 Genomes Project 30x 0.00047; gnomAD exomes 0.00002 and 0.00004; TOPMed 0.00002; ExAC 0.00008; 1000 Genomes Project 0.00040.
gnomAD v4.1: 33 of 1,598,890 alleles (0.0021%); highest among the groups gnomAD compares: South Asian, 0.034%; 1 homozygote.

Submissions (2):

Labcorp Genetics (formerly Invitae), Labcorp
Classification: Uncertain significance for Tumor predisposition syndrome 3. Last evaluated: 2025-05-04. Review status: criteria provided, single submitter. Criteria: Invitae Variant Classification Sherloc (09022015). Collection method: clinical testing. Allele origin: germline.
Comment: This sequence change replaces aspartic acid, which is acidic and polar, with valine, which is neutral and non-polar, at codon 626 of the POT1 protein (p.Asp626Val). This variant is present in population databases (rs545521975, gnomAD 0.03%). This variant has not been reported in the literature in individuals affected with POT1-related conditions. ClinVar contains an entry for this variant (Variation ID: 1038858). Invitae Evidence Modeling of protein sequence and biophysical properties (such as structural, functional, and spatial information, amino acid conservation, physicochemical variation, residue mobility, and thermodynamic stability) indicates that this missense variant is not expected to disrupt POT1 protein function with a negative predictive value of 80%. In summary, the available evidence is currently insufficient to determine the role of this variant in disease. Therefore, it has been classified as a Variant of Uncertain Significance.

Ambry Genetics
Classification: Likely benign for Hereditary cancer-predisposing syndrome. Last evaluated: 2023-02-28. Review status: criteria provided, single submitter. Criteria: Ambry Variant Classification Scheme 2023. Collection method: clinical testing. Allele origin: germline.